The following is an entry in ClinVar:

ClinVar aggregate classification (germline): Uncertain significance (1 of 4 stars; one submission).

Submission:

GeneDx
Classification: Uncertain significance. Last evaluated: 2024-08-21. Review status: criteria provided, single submitter. Criteria: GeneDx Variant Classification Process June 2021. Collection method: clinical testing. Allele origin: germline. Affected: yes.
Comment: Not observed at significant frequency in large population cohorts (gnomAD); In silico analysis supports that this missense variant has a deleterious effect on protein structure/function; Has not been previously published as pathogenic or benign to our knowledge

NM_015662.3(IFT172):c.4619A>G (p.Tyr1540Cys)

Gene: IFT172 (intraflagellar transport 172; minus strand). Cytogenetic location: 2p23.3.
Variant type: single nucleotide variant.
Coding change: c.4619A>G on transcript NM_015662.3 (MANE Select); coding-DNA position 4619, A replaced by G.
Protein change: p.Tyr1540Cys; replaces tyrosine 1540 with cysteine.
Molecular consequence: missense variant.
Genome position (GRCh38, 1-based): chr2:27,447,555, T>C on the plus strand (A>G on the coding strand, the complement: IFT172 is on the minus strand). VCF-style: chr2-27447555-T-C. GRCh37 (hg19) VCF-style: chr2-27670422-T-C.
Other names: c.4553A>G, p.Tyr1518Cys (NM_001410739.1); short protein forms Y1518C, Y1540C.
Identifiers: ClinVar variation 3764431 (VCV003764431.1).